The following is an entry in ClinVar:

NM_001035.3(RYR2):c.4852T>C (p.Leu1618=)

Gene: RYR2 (ryanodine receptor 2; plus strand). Cytogenetic location: 1q43.
Variant type: single nucleotide variant.
Coding change: c.4852T>C on transcript NM_001035.3 (MANE Select); coding-DNA position 4852, T replaced by C.
Protein change: p.Leu1618=; no amino-acid change (leucine 1618 retained).
Molecular consequence: synonymous variant.
Genome position (GRCh38, 1-based): chr1:237,610,930, T>C. VCF-style: chr1-237610930-T-C. GRCh37 (hg19) VCF-style: chr1-237774230-T-C.
Other names: c.4852T>C (NM_001035.2).
Identifiers: ClinVar variation 918695 (VCV000918695.14), dbSNP rs780985525, ClinGen allele CA086752.
Genomic context (GRCh38, chr1:237,610,930, plus strand): 5'-AGAATGCCCAACCAGTTTTTGAAGGTAGATGTGTCTCGAATAAGTGAACGCCAAGGCTGG[T>C]TGGTGCAGTGTTTGGATCCTCTGCAGTTCATGTCTCTTCATATCCCTGAGGAAAACAGGT-3'
Protein context (NP_001026.2, residues 1608-1628): VSRISERQGW[Leu1618=]VQCLDPLQFM

ClinVar aggregate classification (germline): Likely benign. Review status: criteria provided, multiple submitters, no conflicts (2 of 4 stars). 4 submissions from 4 submitters: Likely benign (4). Last evaluated 2025-02-22.

Conditions:
Catecholaminergic polymorphic ventricular tachycardia (CVPT). Also called: Catecholamine-induced polymorphic ventricular tachycardia. Identifiers: Orphanet 3286, MedGen C5574922, MONDO:0017990.
Catecholaminergic polymorphic ventricular tachycardia 1. Also called: VENTRICULAR TACHYCARDIA, CATECHOLAMINERGIC POLYMORPHIC, 1, WITH OR WITHOUT ATRIAL DYSFUNCTION AND/OR DILATED CARDIOMYOPATHY; RYR2-Related Catecholaminergic Polymorphic Ventricular Tachycardia; VENTRICULAR TACHYCARDIA, STRESS-INDUCED POLYMORPHIC 1. Identifiers: Orphanet 3286, MedGen C1631597, MONDO:0011484, OMIM 604772.
Cardiovascular phenotype. Identifiers: MedGen CN230736.
Cardiomyopathy (CMYO). Also called: Cardiomyopathies. Identifiers: Orphanet 167848, MedGen C0878544, MONDO:0004994, HP:0001638. Inheritance: Various modes of inheritance.

Allele frequency attached by ClinVar (database versions not stated): TOPMed below 0.00001; gnomAD exomes 0.00001 and 0.00002; ExAC 0.00002.
gnomAD v4.1: 8 of 1,613,580 alleles (0.0005%); highest among the groups gnomAD compares: East Asian, 0.016%; no homozygotes.

Submissions (4):

Labcorp Genetics (formerly Invitae), Labcorp
Classification: Likely benign for Catecholaminergic polymorphic ventricular tachycardia 1. Last evaluated: 2025-02-22. Review status: criteria provided, single submitter. Criteria: Invitae Variant Classification Sherloc (09022015). Collection method: clinical testing. Allele origin: germline.

Ambry Genetics
Classification: Likely benign for Cardiovascular phenotype. Last evaluated: 2025-02-04. Review status: criteria provided, single submitter. Criteria: Ambry Variant Classification Scheme 2023. Collection method: clinical testing. Allele origin: germline.

All of Us Research Program, National Institutes of Health
Classification: Likely benign for Catecholaminergic polymorphic ventricular tachycardia. Last evaluated: 2023-12-01. Review status: criteria provided, single submitter. Criteria: ACMG Guidelines, 2015. Collection method: clinical testing. Allele origin: germline. Inheritance: Autosomal dominant inheritance. Observed: 3 variant alleles, 3 heterozygotes.
Comment: This study involves interpretation of variants in research participants for the purpose of population health screening. Participant phenotype was not available at the time of variant classification. Additional details can be found in publication PMID: 35346344, PMCID: PMC8962531

Color Diagnostics, LLC DBA Color Health
Classification: Likely benign for Cardiomyopathy. Last evaluated: 2019-05-20. Review status: criteria provided, single submitter. Criteria: ACMG Guidelines, 2015. Collection method: clinical testing. Allele origin: germline.